The following is an entry in ClinVar:

NM_003579.4(RAD54L):c.1703T>C (p.Val568Ala)

Gene: RAD54L (RAD54 like; plus strand). Cytogenetic location: 1p34.1.
Variant type: single nucleotide variant.
Coding change: c.1703T>C on transcript NM_003579.4 (MANE Select); coding-DNA position 1703, T replaced by C.
Protein change: p.Val568Ala; replaces valine 568 with alanine.
Molecular consequence: missense variant.
Genome position (GRCh38, 1-based): chr1:46,274,551, T>C. VCF-style: chr1-46274551-T-C. GRCh37 (hg19) VCF-style: chr1-46740223-T-C.
Other names: c.1703T>C, p.Val568Ala (NM_001142548.2); c.1163T>C, p.Val388Ala (NM_001370766.1); short protein forms V388A, V568A.
Identifiers: ClinVar variation 1778400 (VCV001778400.2), dbSNP rs1660538232, ClinGen allele CA340184090.
Genomic context (GRCh38, chr1:46,274,551, plus strand): 5'-GTTTAGGCTATAAGAGGTTCCTTTTCTCCTGTTTCTTCTCTTTCCAGAGCCCTGACTTTG[T>C]CTTCATGCTGAGCAGCAAAGCTGGGGGCTGTGGCCTCAATCTCATTGGGGCTAACCGGCT-3'
Protein context (NP_003570.2, residues 558-578): RFNSPSSPDF[Val568Ala]FMLSSKAGGC

ClinVar aggregate classification (germline): Uncertain significance (1 of 4 stars; one submission).

Submission:

Ambry Genetics
Classification: Uncertain significance. Last evaluated: 2021-12-22. Review status: criteria provided, single submitter. Criteria: Ambry Variant Classification Scheme 2023. Collection method: clinical testing. Allele origin: germline.
Comment: The p.V568A variant (also known as c.1703T>C), located in coding exon 16 of the RAD54L gene, results from a T to C substitution at nucleotide position 1703. The valine at codon 568 is replaced by alanine, an amino acid with similar properties. This amino acid position is conserved. In addition, the in silico prediction for this alteration is inconclusive. Since supporting evidence is limited at this time, the clinical significance of this alteration remains unclear.